The following is an entry in ClinVar:

ClinVar aggregate classification (germline): Likely pathogenic (1 of 4 stars; one submission).

Submission:

Genetics Laboratory, UDIAT-Centre Diagnòstic, Hospital Universitari Parc Tauli
Classification: Likely pathogenic. Last evaluated: 2021-04-26. Review status: criteria provided, single submitter. Criteria: Parc Tauli Hospital Assertion Criteria 2021. Collection method: clinical testing. Allele origin: de novo. Inheritance: X-linked inheritance. Affected: yes. Observed: 1 hemizygote.
Comment: PM1_moderate;PM2_supporting;PM6_moderate;PP2_supporting;PP3_supporting

NM_002024.6(FMR1):c.866C>T (p.Pro289Leu)

Gene: FMR1 (fragile X messenger ribonucleoprotein 1; plus strand). Cytogenetic location: Xq27.3.
Variant type: single nucleotide variant.
Coding change: c.866C>T on transcript NM_002024.6 (MANE Select); coding-DNA position 866, C replaced by T.
Protein change: p.Pro289Leu; replaces proline 289 with leucine.
Molecular consequence: missense variant. On other transcripts: non-coding transcript variant (2).
Genome position (GRCh38, 1-based): chrX:147,932,749, C>T. VCF-style: chrX-147932749-C-T. GRCh37 (hg19) VCF-style: chrX-147014268-C-T.
Other names: c.866C>T, p.Pro289Leu (NM_001185075.2, NM_001185076.2, NM_001185081.2 and 1 more transcripts); short protein forms P289L.
Identifiers: ClinVar variation 1098346 (VCV001098346.2), dbSNP rs2124521655, ClinGen allele CA414440191.